The following is an entry in ClinVar:

ClinVar aggregate classification (germline): Uncertain significance (1 of 4 stars; one submission).

Allele frequency attached by ClinVar (database versions not stated): TOPMed below 0.00001.
gnomAD v4.1: 31 of 1,613,736 alleles (0.0019%); highest among the groups gnomAD compares: East Asian, 0.0045%; no homozygotes.

Submission:

Labcorp Genetics (formerly Invitae), Labcorp
Classification: Uncertain significance. Last evaluated: 2023-11-17. Review status: criteria provided, single submitter. Criteria: Invitae Variant Classification Sherloc (09022015). Collection method: clinical testing. Allele origin: germline.
Comment: This sequence change creates a premature translational stop signal (p.Arg920*) in the FBN3 gene. It is expected to result in an absent or disrupted protein product. However, the current clinical and genetic evidence is not sufficient to establish whether loss-of-function variants in FBN3 cause disease. This variant is present in population databases (rs759862434, gnomAD 0.002%). This variant has not been reported in the literature in individuals affected with FBN3-related conditions. ClinVar contains an entry for this variant (Variation ID: 1935913). Algorithms developed to predict the effect of sequence changes on RNA splicing suggest that this variant may disrupt the consensus splice site. In summary, the available evidence is currently insufficient to determine the role of this variant in disease. Therefore, it has been classified as a Variant of Uncertain Significance.

NM_032447.5(FBN3):c.2758C>T (p.Arg920Ter)

Gene: FBN3 (fibrillin 3; minus strand). Cytogenetic location: 19p13.2.
Variant type: single nucleotide variant.
Coding change: c.2758C>T on transcript NM_032447.5 (MANE Select); coding-DNA position 2758, C replaced by T.
Protein change: p.Arg920Ter; replaces arginine 920 with a stop codon.
Molecular consequence: nonsense.
Genome position (GRCh38, 1-based): chr19:8,123,982, G>A on the plus strand (C>T on the coding strand, the complement: FBN3 is on the minus strand). VCF-style: chr19-8123982-G-A. GRCh37 (hg19) VCF-style: chr19-8188866-G-A.
Other names: c.2758C>T, p.Arg920Ter (NM_001321431.2); short protein forms R920*.
Identifiers: ClinVar variation 1935913 (VCV001935913.5), dbSNP rs759862434, ClinGen allele CA9152718.